The following is an entry in ClinVar:

ClinVar aggregate classification (germline): Uncertain significance (1 of 4 stars; one submission).

Allele frequency attached by ClinVar (database versions not stated): gnomAD exomes 0.00001.
gnomAD v4.1: 14 of 1,614,000 alleles (0.00087%); highest among the groups gnomAD compares: East Asian, 0.0067%; 1 homozygote.

Submission:

Labcorp Genetics (formerly Invitae), Labcorp
Classification: Uncertain significance. Last evaluated: 2022-03-26. Review status: criteria provided, single submitter. Criteria: Invitae Variant Classification Sherloc (09022015). Collection method: clinical testing. Allele origin: germline.
Comment: This variant is not present in population databases (gnomAD no frequency). This sequence change replaces aspartic acid, which is acidic and polar, with glycine, which is neutral and non-polar, at codon 333 of the FBXL4 protein (p.Asp333Gly). This variant has not been reported in the literature in individuals affected with FBXL4-related conditions. In summary, the available evidence is currently insufficient to determine the role of this variant in disease. Therefore, it has been classified as a Variant of Uncertain Significance. Advanced modeling of protein sequence and biophysical properties (such as structural, functional, and spatial information, amino acid conservation, physicochemical variation, residue mobility, and thermodynamic stability) performed at Invitae indicates that this missense variant is not expected to disrupt FBXL4 protein function.

NM_001278716.2(FBXL4):c.998A>G (p.Asp333Gly)

Gene: FBXL4 (F-box and leucine rich repeat protein 4; minus strand). Cytogenetic location: 6q16.2.
Variant type: single nucleotide variant.
Coding change: c.998A>G on transcript NM_001278716.2 (MANE Select); coding-DNA position 998, A replaced by G.
Protein change: p.Asp333Gly; replaces aspartic acid 333 with glycine.
Molecular consequence: missense variant. On other transcripts: non-coding transcript variant (2).
Genome position (GRCh38, 1-based): chr6:98,905,531, T>C on the plus strand (A>G on the coding strand, the complement: FBXL4 is on the minus strand). VCF-style: chr6-98905531-T-C. GRCh37 (hg19) VCF-style: chr6-99353407-T-C.
Other names: c.998A>G, p.Asp333Gly (NM_012160.5); short protein forms D333G.
Identifiers: ClinVar variation 2117269 (VCV002117269.2), dbSNP rs2128393195, ClinGen allele CA365096095.